The following is an entry in ClinVar:

ClinVar aggregate classification (germline): Uncertain significance (1 of 4 stars; one submission).

gnomAD v4.1: 2 of 1,605,170 alleles (0.00012%); highest among the groups gnomAD compares: East Asian, 0.0022%; no homozygotes.

Submission:

GeneDx
Classification: Uncertain significance. Last evaluated: 2023-05-15. Review status: criteria provided, single submitter. Criteria: GeneDx Variant Classification Process June 2021. Collection method: clinical testing. Allele origin: germline. Affected: yes.
Comment: Not observed at significant frequency in large population cohorts (gnomAD); In silico analysis supports that this missense variant has a deleterious effect on protein structure/function; Has not been previously published as pathogenic or benign to our knowledge

NM_152703.5(SAMD9L):c.37G>T (p.Asp13Tyr)

Gene: SAMD9L (sterile alpha motif domain containing 9 like; minus strand). Cytogenetic location: 7q21.2.
Variant type: single nucleotide variant.
Coding change: c.37G>T on transcript NM_152703.5 (MANE Select); coding-DNA position 37, G replaced by T.
Protein change: p.Asp13Tyr; replaces aspartic acid 13 with tyrosine.
Molecular consequence: missense variant.
Genome position (GRCh38, 1-based): chr7:93,135,935, C>A on the plus strand (G>T on the coding strand, the complement: SAMD9L is on the minus strand). VCF-style: chr7-93135935-C-A. GRCh37 (hg19) VCF-style: chr7-92765248-C-A.
Other names: c.37G>T, p.Asp13Tyr (NM_001303496.3, NM_001303497.3, NM_001303498.3 and 5 more transcripts); short protein forms D13Y.
Identifiers: ClinVar variation 3343585 (VCV003343585.1).